The following is an entry in ClinVar:

NM_005732.4(RAD50):c.1184A>G (p.Asn395Ser)

Gene: RAD50 (RAD50 double strand break repair protein; plus strand). Cytogenetic location: 5q31.1.
Variant type: single nucleotide variant.
Coding change: c.1184A>G on transcript NM_005732.4 (MANE Select); coding-DNA position 1184, A replaced by G.
Protein change: p.Asn395Ser; replaces asparagine 395 with serine.
Molecular consequence: missense variant.
Genome position (GRCh38, 1-based): chr5:132,588,819, A>G. VCF-style: chr5-132588819-A-G. GRCh37 (hg19) VCF-style: chr5-131924511-A-G.
Other names: short protein forms N395S.
Identifiers: ClinVar variation 1023011 (VCV001023011.9), dbSNP rs1750644937, ClinGen allele CA360942833.

ClinVar aggregate classification (germline): Uncertain significance (1 of 4 stars; one submission).

Conditions:
Hereditary cancer-predisposing syndrome. Also called: Hereditary Cancer Syndrome; Neoplastic Syndromes, Hereditary; Tumor predisposition; Hereditary neoplastic syndrome. Identifiers: Orphanet 140162, MedGen C0027672, MeSH D009386, MONDO:0015356.

Submission:

Labcorp Genetics (formerly Invitae), Labcorp
Classification: Uncertain significance for Hereditary cancer-predisposing syndrome. Last evaluated: 2022-02-10. Review status: criteria provided, single submitter. Criteria: Invitae Variant Classification Sherloc (09022015). Collection method: clinical testing. Allele origin: germline.
Comment: This variant has not been reported in the literature in individuals affected with RAD50-related conditions. ClinVar contains an entry for this variant (Variation ID: 1023011). This variant is not present in population databases (gnomAD no frequency). This sequence change replaces asparagine, which is neutral and polar, with serine, which is neutral and polar, at codon 395 of the RAD50 protein (p.Asn395Ser). Algorithms developed to predict the effect of missense changes on protein structure and function (SIFT, PolyPhen-2, Align-GVGD) all suggest that this variant is likely to be tolerated. In summary, the available evidence is currently insufficient to determine the role of this variant in disease. Therefore, it has been classified as a Variant of Uncertain Significance.